The following is an entry in ClinVar:

NM_170707.4(LMNA):c.600G>T (p.Met200Ile)

Gene: LMNA (lamin A/C; plus strand). Cytogenetic location: 1q22.
Variant type: single nucleotide variant.
Coding change: c.600G>T on transcript NM_170707.4 (MANE Select); coding-DNA position 600, G replaced by T.
Protein change: p.Met200Ile; replaces methionine 200 with isoleucine.
Molecular consequence: missense variant.
Genome position (GRCh38, 1-based): chr1:156,134,489, G>T. VCF-style: chr1-156134489-G-T. GRCh37 (hg19) VCF-style: chr1-156104280-G-T.
Other names: c.264G>T, p.Met88Ile (NM_001257374.3, NM_001406989.1, NM_001406998.1); c.357G>T, p.Met119Ile (NM_001282624.2, NM_001406986.1, NM_001406987.1); c.600G>T, p.Met200Ile (NM_001282625.2, NM_001282626.2, NM_001406983.1 and 6 more transcripts); c.303G>T, p.Met101Ile (NM_001406988.1); c.42G>T, p.Met14Ile (NM_001406990.1, NM_001406993.1, NM_001406995.1 and 4 more transcripts); c.-65G>T (NM_001406994.1, NM_001406999.1, NM_001407000.1 and 1 more transcripts); short protein forms M101I, M119I, M14I, M200I, M88I.
Identifiers: ClinVar variation 1705143 (VCV001705143.2), dbSNP rs1323078472, ClinGen allele CA342817009.
Genomic context (GRCh38, chr1:156,134,489, plus strand): 5'-GAAGCAACTTCAGGATGAGATGCTGCGGCGGGTGGATGCTGAGAACAGGCTGCAGACCAT[G>T]AAGGAGGAACTGGACTTCCAGAAGAACATCTACAGTGAGGTGGGGACTGTGCTTTGCAAG-3'
Protein context (NP_733821.1, residues 190-210): RVDAENRLQT[Met200Ile]KEELDFQKNI

ClinVar aggregate classification (germline): Uncertain significance. Review status: criteria provided, multiple submitters, no conflicts (2 of 4 stars). 2 submissions from 2 submitters: Uncertain significance (2). Last evaluated 2023-06-07.

Allele frequency attached by ClinVar (database versions not stated): gnomAD exomes below 0.00001.
gnomAD v4.1: 2 of 1,614,228 alleles (0.00012%); highest among the groups gnomAD compares: Non-Finnish European, 0.00017%; no homozygotes.

Submissions (2):

GeneDx
Classification: Uncertain significance. Last evaluated: 2023-06-07. Review status: criteria provided, single submitter. Criteria: GeneDx Variant Classification Process June 2021. Collection method: clinical testing. Allele origin: germline. Affected: yes.
Comment: Has not been previously published as pathogenic or benign to our knowledge; Not observed at significant frequency in large population cohorts (gnomAD); In silico analysis supports that this missense variant does not alter protein structure/function; This variant is associated with the following publications: (PMID: 10939567)

Women's Health and Genetics/Laboratory Corporation of America, LabCorp
Classification: Uncertain significance. Last evaluated: 2022-08-18. Review status: criteria provided, single submitter. Criteria: LabCorp Variant Classification Summary - May 2015. Collection method: clinical testing. Allele origin: germline.
Comment: Variant summary: LMNA c.600G>T (p.Met200Ile) results in a conservative amino acid change located in the Intermediate filament, rod domain (IPR039008) of the encoded protein sequence. Four of five in-silico tools predict a benign effect of the variant on protein function. The variant allele was found at a frequency of 4e-06 in 251392 control chromosomes (gnomAD). The available data on variant occurrences in the general population are insufficient to allow any conclusion about variant significance. To our knowledge, no occurrence of c.600G>T in individuals affected with Cardiomyopathy and no experimental evidence demonstrating its impact on protein function have been reported. No clinical diagnostic laboratories have submitted clinical-significance assessments for this variant to ClinVar after 2014. Based on the evidence outlined above, the variant was classified as uncertain significance.